The following is an entry in ClinVar:

ClinVar aggregate classification (germline): Pathogenic. Review status: criteria provided, multiple submitters, no conflicts (2 of 4 stars). 6 submissions from 6 submitters: Pathogenic (6). Last evaluated 2025-12-23.

Conditions:
TPP1-related disorder. Also called: TPP1-related condition.
Neuronal ceroid lipofuscinosis. Also called: Neuronal Ceroid Lipofuscinoses. Identifiers: Orphanet 216, Orphanet 79263, MedGen C0027877, MONDO:0016295. Disease mechanism: loss of function.
Neuronal ceroid lipofuscinosis 2. Also called: TPP1-Related Neuronal Ceroid-Lipofuscinosis; JANSKY-BIELSCHOWSKY DISEASE NEURONAL CEROID LIPOFUSCINOSIS, LATE INFANTILE. Identifiers: Orphanet 168491, Orphanet 228349, Orphanet 79264, MedGen C1876161, MONDO:0008769, OMIM 204500.

Allele frequency attached by ClinVar (database versions not stated): TOPMed 0.00001; ExAC 0.00002.
gnomAD v4.1: 10 of 1,614,038 alleles (0.00062%); highest among the groups gnomAD compares: Non-Finnish European, 0.00085%; no homozygotes.

Submissions (6):

Natera, Inc.
Classification: Pathogenic for Neuronal ceroid lipofuscinosis 2. Last evaluated: 2025-12-23. Review status: criteria provided, single submitter. Criteria: Natera Variant Classification Schema (03/2026). Collection method: clinical testing. Allele origin: germline.
Comment: The c.196C>T variant in TPP1 is a nonsense variant predicted to introduce a stop codon at amino acid 66. This variant is expected to result in nonsense mediated decay, truncation, or a dysfunctional protein product. This variant is rare in the general population with a frequency below the threshold expected for the associated phenotype(s). This variant has been observed in one or more individuals affected with the associated recessive disease, as either homozygous or compound heterozygous with a second variant (PMID: 10330339, 31489614). Given the available evidence, this variant is classified as Pathogenic.

Labcorp Genetics (formerly Invitae), Labcorp
Classification: Pathogenic. Last evaluated: 2024-02-16. Review status: criteria provided, single submitter. Criteria: Invitae Variant Classification Sherloc (09022015). Collection method: clinical testing. Allele origin: germline.
Comment: This sequence change creates a premature translational stop signal (p.Gln66*) in the TPP1 gene. It is expected to result in an absent or disrupted protein product. Loss-of-function variants in TPP1 are known to be pathogenic (PMID: 10330339). This variant is present in population databases (rs759080581, gnomAD 0.003%). This premature translational stop signal has been observed in individuals with neuronal ceroid lipofuscinosis (PMID: 10330339, 23266810). ClinVar contains an entry for this variant (Variation ID: 207564). Algorithms developed to predict the effect of sequence changes on RNA splicing suggest that this variant may disrupt the consensus splice site. For these reasons, this variant has been classified as Pathogenic.

Blueprint Genetics
Classification: Pathogenic for TPP1-related disorders. Last evaluated: 2022-05-01. Review status: criteria provided, single submitter. Criteria: ACMG Guidelines, 2015. Collection method: clinical testing. Allele origin: germline. Affected: yes. Observed: 1 variant allele.

Revvity Omics, Revvity
Classification: Pathogenic. Last evaluated: 2020-12-31. Review status: criteria provided, single submitter. Criteria: ACMG Guidelines, 2015. Collection method: clinical testing. Allele origin: germline.

Women's Health and Genetics/Laboratory Corporation of America, LabCorp
Classification: Pathogenic for Neuronal ceroid lipofuscinosis. Last evaluated: 2019-10-25. Review status: criteria provided, single submitter. Criteria: LabCorp Variant Classification Summary - May 2015. Collection method: clinical testing. Allele origin: germline.
Comment: Variant summary: TPP1 c.196C>T (p.Gln66X) results in a premature termination codon, predicted to cause a truncation of the encoded protein or absence of the protein due to nonsense mediated decay, which are commonly known mechanisms for disease. Truncations downstream of this position have been classified as pathogenic by our laboratory. The variant allele was found at a frequency of 1.2e-05 in 251320 control chromosomes (gnomAD). c.196C>T has been reported in the literature in individuals affected with Neuronal Ceroid-Lipofuscinosis (Batten Disease, e.g. Sleat_1999, Kohan_2009). These data indicate that the variant is likely to be associated with disease. TPP1 enzyme activity has been reported as deficient in cells with the variant (Sleat_1999). Two ClinVar submissions (evaluation after 2014) cite the variant as pathogenic. Based on the evidence outlined above, the variant was classified as pathogenic.

GeneDx
Classification: Pathogenic. Last evaluated: 2019-01-08. Review status: criteria provided, single submitter. Criteria: GeneDx Variant Classification (06012015). Collection method: clinical testing. Allele origin: germline. Affected: yes.
Comment: The Q66X variant in the TPP1 gene has been reported previously in the homozygous state or in the presence of a second TPP1 variant in individuals with neuronal ceroid lipofuscinosis (Sleat et al, 1999; Kohan et al., 2009). This variant is predicted to cause loss of normal protein function either through protein truncation or nonsense-mediated mRNA decay. The Q66X variant is not observed at a significant frequency in large population cohorts (Lek et al., 2016). We interpret Q66X as a pathogenic variant.

Literature cited by the submitters: PubMed 10330339 (cited by 3 submitters); PubMed 31489614 (cited by Natera, Inc.); PubMed 23266810 (cited by Labcorp Genetics (formerly Invitae), Labcorp); PubMed 19793312 (cited by Women's Health and Genetics/Laboratory Corporation of America, LabCorp).

NM_000391.4(TPP1):c.196C>T (p.Gln66Ter)

Gene: TPP1 (tripeptidyl peptidase 1; minus strand). Cytogenetic location: 11p15.4.
Variant type: single nucleotide variant.
Coding change: c.196C>T on transcript NM_000391.4 (MANE Select); coding-DNA position 196, C replaced by T.
Protein change: p.Gln66Ter; replaces glutamine 66 with a stop codon.
Molecular consequence: nonsense.
Genome position (GRCh38, 1-based): chr11:6,618,809, G>A on the plus strand (C>T on the coding strand, the complement: TPP1 is on the minus strand). VCF-style: chr11-6618809-G-A. GRCh37 (hg19) VCF-style: chr11-6640040-G-A.
Other names: p.Q66*:CAG>TAG; short protein forms Q66*.
Identifiers: ClinVar variation 207564 (VCV000207564.18), dbSNP rs759080581, ClinGen allele CA319156.